The following is an entry in ClinVar:

NM_000350.3(ABCA4):c.302+1G>A

Gene: ABCA4 (ATP binding cassette subfamily A member 4; minus strand). Cytogenetic location: 1p22.1.
Variant type: single nucleotide variant.
Coding change: c.302+1G>A on transcript NM_000350.3 (MANE Select); the canonical splice donor site of the intron after coding-DNA position 302, G replaced by A.
Molecular consequence: splice donor variant.
Genome position (GRCh38, 1-based): chr1:94,111,437, C>T on the plus strand (G>A on the coding strand, the complement: ABCA4 is on the minus strand). VCF-style: chr1-94111437-C-T. GRCh37 (hg19) VCF-style: chr1-94576993-C-T.
Identifiers: ClinVar variation 99187 (VCV000099187.14), dbSNP rs61751413, ClinGen allele CA227068.
Genomic context (GRCh38, chr1:94,111,437, plus strand): 5'-TTTCAGCACGTGAAGGGGTGTGCAACTTCCTCCCCTGCATGGTAGGGATCTCAACACTTA[C>T]ATGGAGTTGTTATAGTTTGACACAATTCCAGGAGATTCTCCTGGGGTGGGGCTTTGAAAA-3'

ClinVar aggregate classification (germline): Pathogenic. Review status: criteria provided, multiple submitters, no conflicts (2 of 4 stars). 4 submissions from 4 submitters: Pathogenic (3). 1 of the submissions does not count toward it. Last evaluated 2025-12-21.

Conditions:
ABCA4-related disorder. Also called: ABCA4-related disorders; ABCA4-related condition. Identifiers: MedGen CN239167.

Allele frequency attached by ClinVar (database versions not stated): gnomAD exomes 0.00001 and 0.00002; ExAC 0.00003; TOPMed 0.00005; gnomAD 0.00006.
gnomAD v4.1: 12 of 1,613,792 alleles (0.00074%); highest among the groups gnomAD compares: African/African-American, 0.016%; no homozygotes.

Submissions (4):

Labcorp Genetics (formerly Invitae), Labcorp
Classification: Pathogenic. Last evaluated: 2025-12-21. Review status: criteria provided, single submitter. Criteria: Invitae Variant Classification Sherloc (09022015). Collection method: clinical testing. Allele origin: germline.
Comment: This sequence change affects a donor splice site in intron 3 of the ABCA4 gene. It is expected to disrupt RNA splicing. Variants that disrupt the donor or acceptor splice site typically lead to a loss of protein function (PMID: 16199547), and loss-of-function variants in ABCA4 are known to be pathogenic (PMID: 10958761, 24938718, 25312043, 26780318). This variant is present in population databases (rs61751413, gnomAD 0.03%). Disruption of this splice site has been observed in individuals with Stargardt disease or cone-rod dystrophy (PMID: 11846518, 25066811, 29925512; internal data). ClinVar contains an entry for this variant (Variation ID: 99187). Algorithms developed to predict the effect of sequence changes on RNA splicing suggest that this variant may disrupt the consensus splice site. For these reasons, this variant has been classified as Pathogenic.

Blueprint Genetics
Classification: Pathogenic for ABCA4-related disorders. Last evaluated: 2024-03-26. Review status: criteria provided, single submitter. Criteria: ACMG Guidelines, 2015. Collection method: clinical testing. Allele origin: germline. Affected: yes. Observed: 5 variant alleles.

GeneDx
Classification: Pathogenic. Last evaluated: 2023-10-17. Review status: criteria provided, single submitter. Criteria: GeneDx Variant Classification Process June 2021. Collection method: clinical testing. Allele origin: germline. Affected: yes.
Comment: Canonical splice site variant predicted to result in a null allele in a gene for which loss of function is a known mechanism of disease; This variant is associated with the following publications: (PMID: 11846518, 26909568, 25066811, 29925512)

Retina International
No classification provided. Review status: no classification provided. Collection method: not provided. Allele origin: not provided. Not counted in ClinVar's aggregate classification.

Literature cited by the submitters: PubMed 16199547 (cited by Labcorp Genetics (formerly Invitae), Labcorp); PubMed 10958761 (cited by Labcorp Genetics (formerly Invitae), Labcorp); PubMed 24938718 (cited by Labcorp Genetics (formerly Invitae), Labcorp); PubMed 25312043 (cited by Labcorp Genetics (formerly Invitae), Labcorp); PubMed 26780318 (cited by Labcorp Genetics (formerly Invitae), Labcorp); PubMed 11846518 (cited by Labcorp Genetics (formerly Invitae), Labcorp); PubMed 25066811 (cited by Labcorp Genetics (formerly Invitae), Labcorp); PubMed 29925512 (cited by Labcorp Genetics (formerly Invitae), Labcorp).